The following is an entry in ClinVar:

ClinVar aggregate classification (germline): Conflicting classifications of pathogenicity. Review status: criteria provided, conflicting classifications (1 of 4 stars). 6 submissions from 6 submitters: Uncertain significance (1); Benign (3); Likely benign (2). Last evaluated 2026-01-28.

Conditions:
Gamma-aminobutyric acid transaminase deficiency (GABATD). Also called: GABA transaminase deficiency; GABA aminotransaminase deficiency; Gamma aminobutyrate transaminase deficiency; 4 alpha aminobutyrate transaminase deficiency. Identifiers: Orphanet 2066, MedGen C0342708, MONDO:0013166, OMIM 613163.

Allele frequency attached by ClinVar (database versions not stated): ExAC 0.00172; gnomAD 0.00287; TOPMed 0.00334; 1000 Genomes Project 30x 0.00344; 1000 Genomes Project 0.00359; ESP Exome Variant Server 0.00377.
gnomAD v4.1: 1,088 of 1,605,756 alleles (0.068%); highest among the groups gnomAD compares: African/African-American, 1.1%; 8 homozygotes.

Submissions (6):

Labcorp Genetics (formerly Invitae), Labcorp
Classification: Benign for Gamma-aminobutyric acid transaminase deficiency. Last evaluated: 2026-01-28. Review status: criteria provided, single submitter. Criteria: Invitae Variant Classification Sherloc (09022015). Collection method: clinical testing. Allele origin: germline.

Mayo Clinic Laboratories, Mayo Clinic
Classification: Benign. Last evaluated: 2024-11-22. Review status: criteria provided, single submitter. Criteria: ACMG Guidelines, 2015. Collection method: clinical testing. Allele origin: germline. Observed: 6 variant alleles.
Comment: BS1, BS2

Blueprint Genetics
Classification: Likely benign. Last evaluated: 2024-10-25. Review status: criteria provided, single submitter. Criteria: ACMG Guidelines, 2015. Collection method: clinical testing. Allele origin: germline.

CeGaT Center for Human Genetics Tuebingen
Classification: Benign. Last evaluated: 2022-03-01. Review status: criteria provided, single submitter. Criteria: CeGaT Center For Human Genetics Tuebingen Variant Classification Criteria Version 2. Collection method: clinical testing. Allele origin: germline. Affected: yes. Observed: 1 variant allele.
Comment: ABAT: BP4, BS1, BS2

Illumina Laboratory Services, Illumina
Classification: Uncertain significance for Gamma-aminobutyric acid transaminase deficiency. Last evaluated: 2018-01-15. Review status: criteria provided, single submitter. Criteria: ICSL Variant Classification Criteria 13 December 2019. Collection method: clinical testing. Allele origin: germline.

Center for Pediatric Genomic Medicine, Children's Mercy Hospital and Clinics
Classification: Likely benign. Last evaluated: 2016-05-19. Review status: criteria provided, single submitter. Criteria: ACMG Guidelines, 2015. Collection method: clinical testing. Allele origin: germline.
ClinVar note: Converted during submission from Likely Benign to Likely benign.

NM_020686.6(ABAT):c.55C>T (p.Arg19Cys)

Gene: ABAT (4-aminobutyrate aminotransferase; plus strand). Cytogenetic location: 16p13.2.
Variant type: single nucleotide variant.
Coding change: c.55C>T on transcript NM_020686.6 (MANE Select); coding-DNA position 55, C replaced by T.
Protein change: p.Arg19Cys; replaces arginine 19 with cysteine.
Molecular consequence: missense variant. On other transcripts: intron variant (3).
Genome position (GRCh38, 1-based): chr16:8,735,794, C>T. VCF-style: chr16-8735794-C-T. GRCh37 (hg19) VCF-style: chr16-8829651-C-T.
Other names: p.Arg19Cys; c.55C>T, p.Arg19Cys (NM_001386614.1, NM_001386615.1, NM_001386616.1 and 13 more transcripts); c.-65-10207C>T (NM_001386611.1, NM_001386612.1, NM_001386613.1); short protein forms R19C.
Identifiers: ClinVar variation 235649 (VCV000235649.44), dbSNP rs77696190, ClinGen allele CA7892920.